The following is an entry in ClinVar:

ClinVar aggregate classification (germline): Conflicting classifications of pathogenicity. Review status: criteria provided, conflicting classifications (1 of 4 stars). 7 submissions from 6 submitters: Uncertain significance (5); Likely benign (2). Last evaluated 2026-02-02.

Conditions:
Cardiovascular phenotype. Identifiers: MedGen CN230736.
Naxos disease (NXD). Also called: KERATOSIS PALMOPLANTARIS WITH ARRHYTHMOGENIC CARDIOMYOPATHY; MAL DE NAXOS; PALMOPLANTAR KERATODERMA WITH ARRHYTHMOGENIC RIGHT VENTRICULAR CARDIOMYOPATHY AND WOOLLY HAIR; WOOLLY HAIR, PALMOPLANTAR KERATODERMA, AND CARDIAC ABNORMALITIES; CARDIOMYOPATHY, ARRHYTHMOGENIC RIGHT VENTRICULAR, WITH SKIN, HAIR, AND NAIL ABNORMALITIES. Identifiers: Orphanet 34217, MedGen C1832600, MONDO:0011017, OMIM 601214.
Arrhythmogenic right ventricular dysplasia 12. Also called: ARRHYTHMOGENIC RIGHT VENTRICULAR DYSPLASIA, FAMILIAL, 12. Identifiers: MedGen C1969081, MONDO:0012684, OMIM 611528.

Allele frequency attached by ClinVar (database versions not stated): gnomAD 0.00004 and 0.00005; ExAC 0.00005; TOPMed 0.00005; gnomAD exomes 0.00006.
gnomAD v4.1: 218 of 1,613,588 alleles (0.014%); highest among the groups gnomAD compares: Non-Finnish European, 0.018%; no homozygotes.

Submissions (7):

Labcorp Genetics (formerly Invitae), Labcorp
Classification: Uncertain significance for Arrhythmogenic right ventricular dysplasia 12; Naxos disease. Last evaluated: 2026-02-02. Review status: criteria provided, single submitter. Criteria: Invitae Variant Classification Sherloc (09022015). Collection method: clinical testing. Allele origin: germline.
Comment: This sequence change replaces asparagine, which is neutral and polar, with histidine, which is basic and polar, at codon 638 of the JUP protein (p.Asn638His). This variant is present in population databases (rs782658008, gnomAD 0.01%). This variant has not been reported in the literature in individuals affected with JUP-related conditions. ClinVar contains an entry for this variant (Variation ID: 323165). An algorithm developed to predict the effect of missense changes on protein structure and function (PolyPhen-2) suggests that this variant is likely to be disruptive. In summary, the available evidence is currently insufficient to determine the role of this variant in disease. Therefore, it has been classified as a Variant of Uncertain Significance.

Women's Health and Genetics/Laboratory Corporation of America, LabCorp
Classification: Likely benign. Last evaluated: 2022-07-19. Review status: criteria provided, single submitter. Criteria: LabCorp Variant Classification Summary - May 2015. Collection method: clinical testing. Allele origin: germline.
Comment: Variant summary: JUP c.1912A>C (p.Asn638His) results in a conservative amino acid change in the encoded protein sequence. Three of five in-silico tools predict a benign effect of the variant on protein function. The variant allele was found at a frequency of 5.6e-05 in 248442 control chromosomes. The observed variant frequency is approximately 9.0 fold of the estimated maximal expected allele frequency for a pathogenic variant in JUP causing Arrhythmogenic Right Ventricular Dysplasia/Cardiomyopathy phenotype (6.3e-06), strongly suggesting that the variant is benign. To our knowledge, no occurrence of c.1912A>C in individuals affected with Arrhythmogenic Right Ventricular Dysplasia/Cardiomyopathy and no experimental evidence demonstrating its impact on protein function have been reported. Three clinical diagnostic laboratories have submitted clinical-significance assessments for this variant to ClinVar after 2014 without evidence for independent evaluation. All laboratories classified the variant as uncertain significance. Based on the evidence outlined above, the variant was classified as likely benign.

Ambry Genetics
Classification: Likely benign for Cardiovascular phenotype. Last evaluated: 2021-09-22. Review status: criteria provided, single submitter. Criteria: Ambry Variant Classification Scheme 2023. Collection method: clinical testing. Allele origin: germline.

Fulgent Genetics
Classification: Uncertain significance for Naxos disease; Arrhythmogenic right ventricular dysplasia 12. Last evaluated: 2021-08-04. Review status: criteria provided, single submitter. Criteria: ACMG Guidelines, 2015. Collection method: clinical testing. Allele origin: unknown.

GeneDx
Classification: Uncertain significance. Last evaluated: 2019-10-16. Review status: criteria provided, single submitter. Criteria: GeneDx Variant Classification Process June 2021. Collection method: clinical testing. Allele origin: germline. Affected: yes.
Comment: Has not been previously published as pathogenic or benign to our knowledge; In silico analysis, which includes protein predictors and evolutionary conservation, supports a deleterious effect

Illumina Laboratory Services, Illumina
Classification: Uncertain significance for Arrhythmogenic right ventricular dysplasia 12. Last evaluated: 2018-01-13. Review status: criteria provided, single submitter. Criteria: ICSL Variant Classification Criteria 13 December 2019. Collection method: clinical testing. Allele origin: germline.

Illumina Laboratory Services, Illumina
Classification: Uncertain significance for Naxos disease. Last evaluated: 2018-01-13. Review status: criteria provided, single submitter. Criteria: ICSL Variant Classification Criteria 13 December 2019. Collection method: clinical testing. Allele origin: germline.

NM_002230.4(JUP):c.1912A>C (p.Asn638His)

Gene: JUP (junction plakoglobin; minus strand). Cytogenetic location: 17q21.2.
Variant type: single nucleotide variant.
Coding change: c.1912A>C on transcript NM_002230.4 (MANE Select); coding-DNA position 1912, A replaced by C.
Protein change: p.Asn638His; replaces asparagine 638 with histidine.
Molecular consequence: missense variant.
Genome position (GRCh38, 1-based): chr17:41,757,646, T>G on the plus strand (A>C on the coding strand, the complement: JUP is on the minus strand). VCF-style: chr17-41757646-T-G. GRCh37 (hg19) VCF-style: chr17-39913898-T-G.
Other names: c.1912A>C, p.Asn638His (NM_001352773.2, NM_001352774.2, NM_001352775.2 and 3 more transcripts); short protein forms N638H.
Identifiers: ClinVar variation 323165 (VCV000323165.16), dbSNP rs782658008, ClinGen allele CA8565090.